The following is an entry in ClinVar:

ClinVar aggregate classification (germline): Uncertain significance (1 of 4 stars; one submission).

Conditions:
Hereditary cancer-predisposing syndrome. Also called: Neoplastic Syndromes, Hereditary; Tumor predisposition; Hereditary Cancer Syndrome; Hereditary neoplastic syndrome. Identifiers: Orphanet 140162, MedGen C0027672, MeSH D009386, MONDO:0015356.

Submission:

Ambry Genetics
Classification: Uncertain significance for Hereditary cancer-predisposing syndrome. Last evaluated: 2026-05-14. Review status: criteria provided, single submitter. Criteria: Ambry Variant Classification Scheme 2023. Collection method: clinical testing. Allele origin: germline.
Comment: The p.T915P variant (also known as c.2743A>C), located in coding exon 10 of the BRCA2 gene, results from an A to C substitution at nucleotide position 2743. The threonine at codon 915 is replaced by proline, an amino acid with highly similar properties. This amino acid position is conserved. In addition, this alteration is predicted to be tolerated by in silico analysis. Based on the available evidence, the clinical significance of this variant remains unclear.

NM_000059.4(BRCA2):c.2743A>C (p.Thr915Pro)

Gene: BRCA2 (BRCA2 DNA repair associated; plus strand). Cytogenetic location: 13q13.1.
Variant type: single nucleotide variant.
Coding change: c.2743A>C on transcript NM_000059.4 (MANE Select); coding-DNA position 2743, A replaced by C.
Protein change: p.Thr915Pro; replaces threonine 915 with proline.
Molecular consequence: missense variant. On other transcripts: non-coding transcript variant (1), intron variant (2).
Genome position (GRCh38, 1-based): chr13:32,337,098, A>C. VCF-style: chr13-32337098-A-C. GRCh37 (hg19) VCF-style: chr13-32911235-A-C.
Other names: c.2743A>C, p.Thr915Pro (NM_001406719.1, NM_001406720.1, NM_001432077.1); c.1909+3711A>C (NM_001406721.1); c.424+6068A>C (NM_001406722.1); short protein forms T915P.
Identifiers: ClinVar variation 4867856 (VCV004867856.1).